The following is an entry in ClinVar:

ClinVar aggregate classification (germline): Uncertain significance. Review status: criteria provided, multiple submitters, no conflicts (2 of 4 stars). 2 submissions from 2 submitters: Uncertain significance (2). Last evaluated 2024-10-07.

Conditions:
Dilated cardiomyopathy 1G (CMD1G). Identifiers: Orphanet 154, MedGen C1858763, MONDO:0011400, OMIM 604145.
Autosomal recessive limb-girdle muscular dystrophy type 2J (LGMDR10). Also called: MUSCULAR DYSTROPHY, LIMB-GIRDLE, AUTOSOMAL RECESSIVE 10; Limb-girdle muscular dystrophy, type 2J. Identifiers: Orphanet 140922, MedGen C1837342, MONDO:0012127, OMIM 608807.

Allele frequency attached by ClinVar (database versions not stated): gnomAD exomes below 0.00001.
gnomAD v4.1: 2 of 1,609,154 alleles (0.00012%); highest among the groups gnomAD compares: Non-Finnish European, 0.00017%; no homozygotes.

Submissions (2):

Labcorp Genetics (formerly Invitae), Labcorp
Classification: Uncertain significance for Dilated cardiomyopathy 1G; Autosomal recessive limb-girdle muscular dystrophy type 2J. Last evaluated: 2024-10-07. Review status: criteria provided, single submitter. Criteria: Invitae Variant Classification Sherloc (09022015). Collection method: clinical testing. Allele origin: germline.
Comment: This sequence change falls in intron 207 of the TTN gene. It does not directly change the encoded amino acid sequence of the TTN protein. It affects a nucleotide within the consensus splice site. This variant is not present in population databases (gnomAD no frequency). This variant has been observed in individual(s) with centronuclear myopathy (PMID: 27854218). ClinVar contains an entry for this variant (Variation ID: 242420). Variants that disrupt the consensus splice site are a relatively common cause of aberrant splicing (PMID: 17576681, 9536098). Algorithms developed to predict the effect of sequence changes on RNA splicing suggest that this variant may disrupt the consensus splice site. This variant is located in the I band of TTN (PMID: 25589632). Non-truncating variants in this region may be clinically relevant, but have not been definitively shown to cause cardiomyopathy or neuromuscular disease (PMID: 27493940, 32778822). In summary, the available evidence is currently insufficient to determine the role of this variant in disease. Therefore, it has been classified as a Variant of Uncertain Significance.

Blueprint Genetics
Classification: Uncertain significance. Last evaluated: 2020-12-09. Review status: criteria provided, single submitter. Criteria: ACMG Guidelines, 2015. Collection method: clinical testing. Allele origin: germline.

Literature cited by the submitters: PubMed 27854218 (cited by Labcorp Genetics (formerly Invitae), Labcorp); PubMed 17576681 (cited by Labcorp Genetics (formerly Invitae), Labcorp); PubMed 9536098 (cited by Labcorp Genetics (formerly Invitae), Labcorp); PubMed 25589632 (cited by Labcorp Genetics (formerly Invitae), Labcorp); PubMed 27493940 (cited by Labcorp Genetics (formerly Invitae), Labcorp); PubMed 32778822 (cited by Labcorp Genetics (formerly Invitae), Labcorp).

NM_001267550.2(TTN):c.39547+3A>G

Gene: TTN (titin; minus strand). Cytogenetic location: 2q31.2.
Variant type: single nucleotide variant.
Coding change: c.39547+3A>G on transcript NM_001267550.2 (MANE Select); 3 bases into the intron after coding-DNA position 39547, A replaced by G.
Molecular consequence: intron variant.
Genome position (GRCh38, 1-based): chr2:178,651,450, T>C on the plus strand (A>G on the coding strand, the complement: TTN is on the minus strand). VCF-style: chr2-178651450-T-C. GRCh37 (hg19) VCF-style: chr2-179516177-T-C.
Other names: c.39547+3A>G (LRG_391t1); c.13283-9133A>G (NM_003319.4); c.13859-9133A>G (NM_133437.4); c.13658-9133A>G (NM_133432.3); c.32245+3A>G (NM_133378.4); c.35026+3A>G (NM_001256850.1).
Identifiers: ClinVar variation 242420 (VCV000242420.6), dbSNP rs878854370, ClinGen allele CA16616831.